The following is an entry in ClinVar:

NM_005732.4(RAD50):c.366-13T>A

Gene: RAD50 (RAD50 double strand break repair protein; plus strand). Cytogenetic location: 5q31.1.
Variant type: single nucleotide variant.
Coding change: c.366-13T>A on transcript NM_005732.4 (MANE Select); 13 bases into the intron before coding-DNA position 366, T replaced by A.
Molecular consequence: intron variant.
Genome position (GRCh38, 1-based): chr5:132,579,304, T>A. VCF-style: chr5-132579304-T-A. GRCh37 (hg19) VCF-style: chr5-131914996-T-A.
Identifiers: ClinVar variation 1692909 (VCV001692909.6), dbSNP rs774557401, ClinGen allele CA2573139069.
Genomic context (GRCh38, chr5:132,579,304, plus strand): 5'-TGAATTGATTAAGCAATAGAATAGATACACTGAAGGTTATTTTACATATATTCTTGATTT[T>A]CATTTTCTGTAGGCATGGTGAAAAGGTCAGTCTGAGCTCTAAGTGTGCAGAAATTGACCG-3'

ClinVar aggregate classification (germline): Conflicting classifications of pathogenicity. Review status: criteria provided, conflicting classifications (1 of 4 stars). 2 submissions from 2 submitters: Uncertain significance (1); Likely benign (1). Last evaluated 2022-05-20.

Conditions:
Nijmegen breakage syndrome-like disorder (NBSLD). Also called: MICROCEPHALY AND SPONTANEOUS CHROMOSOME INSTABILITY WITHOUT IMMUNODEFICIENCY; NBS-LIKE DISORDER; RAD50 DEFICIENCY. Identifiers: Orphanet 240760, MedGen C2751318, MONDO:0013118, OMIM 613078.
Hereditary cancer-predisposing syndrome. Also called: Hereditary neoplastic syndrome; Tumor predisposition; Neoplastic Syndromes, Hereditary; Hereditary Cancer Syndrome. Identifiers: Orphanet 140162, MedGen C0027672, MeSH D009386, MONDO:0015356.

gnomAD v4.1: 1 of 1,611,924 alleles (0.000062%); highest among the groups gnomAD compares: Non-Finnish European, 0.000085%; no homozygotes.

Submissions (2):

Labcorp Genetics (formerly Invitae), Labcorp
Classification: Likely benign for Hereditary cancer-predisposing syndrome. Last evaluated: 2022-05-20. Review status: criteria provided, single submitter. Criteria: Invitae Variant Classification Sherloc (09022015). Collection method: clinical testing. Allele origin: germline.

Sema4
Classification: Uncertain significance for Nijmegen breakage syndrome-like disorder. Last evaluated: 2021-10-28. Review status: criteria provided, single submitter. Criteria: Sema4 Curation Guidelines. Collection method: curation. Allele origin: germline.
Comment: The RAD50 c.366-13T>A variant has not been reported in the literature to our knowledge. It was not observed in the large and broad cohorts of the Genome Aggregation Database, and has not been reported in ClinVar. Functional studies have not been performed, and in silico predictions of the variant's effect on splicing are inconclusive. The evidence is insufficient to meet ACMG/AMP criteria for classifying the variant as benign or pathogenic. Thus, the clinical significance of this variant is currently uncertain.